The following is an entry in ClinVar:

ClinVar aggregate classification (germline): Uncertain significance (1 of 4 stars; one submission).

Submission:

Labcorp Genetics (formerly Invitae), Labcorp
Classification: Uncertain significance. Last evaluated: 2023-05-27. Review status: criteria provided, single submitter. Criteria: Invitae Variant Classification Sherloc (09022015). Collection method: clinical testing. Allele origin: germline.
Comment: In summary, the available evidence is currently insufficient to determine the role of this variant in disease. Therefore, it has been classified as a Variant of Uncertain Significance. Experimental studies and prediction algorithms are not available or were not evaluated, and the functional significance of this variant is currently unknown. This variant has not been reported in the literature in individuals affected with POLR3F-related conditions. This variant is not present in population databases (gnomAD no frequency). This sequence change creates a premature translational stop signal (p.Cys246*) in the POLR3F gene. While this is not anticipated to result in nonsense mediated decay, it is expected to disrupt the last 30 amino acid(s) of the POLR3F protein.

NM_006466.4(POLR3F):c.859_860insAGGGCACCCT (p.Cys287Ter)

Gene: POLR3F (RNA polymerase III subunit F; plus strand). Cytogenetic location: 20p11.23.
Variant type: Insertion.
Coding change: c.859_860insAGGGCACCCT on transcript NM_006466.4 (MANE Select); coding-DNA positions 859 to 860, AGGGCACCCT inserted.
Protein change: p.Cys287Ter; replaces cysteine 287 with a stop codon.
Molecular consequence: nonsense. On other transcripts: non-coding transcript variant (1).
Genome position: GRCh38 VCF-style: chr20-18481787-C-CGGGCACCCTA. GRCh37 (hg19) VCF-style: chr20-18462431-C-CGGGCACCCTA.
Other names: c.736_737insAGGGCACCCT, p.Cys246Ter (NM_001282526.2); c.715_716insAGGGCACCCT, p.Cys239Ter (NM_001410821.1); short protein forms C239*, C287*, C246*.
Identifiers: ClinVar variation 2870846 (VCV002870846.3), dbSNP rs2517427772, ClinGen allele CA2577347050.